The following is an entry in ClinVar:

ClinVar aggregate classification (germline): Uncertain significance (1 of 4 stars; one submission).

Conditions:
Ataxia-telangiectasia syndrome (AT). Also called: Ataxia-telangiectasia; LOUIS-BAR SYNDROME; Ataxia-telangiectasia, complementation group D; AT, COMPLEMENTATION GROUP C; ATAXIA-TELANGIECTASIA, COMPLEMENTATION GROUP A; ATAXIA-TELANGIECTASIA, FRESNO VARIANT. Identifiers: Orphanet 100, MedGen C0004135, MONDO:0008840, OMIM 208900.

Submission:

Labcorp Genetics (formerly Invitae), Labcorp
Classification: Uncertain significance for Ataxia-telangiectasia syndrome. Last evaluated: 2025-12-22. Review status: criteria provided, single submitter. Criteria: Invitae Variant Classification Sherloc (09022015). Collection method: clinical testing. Allele origin: germline.
Comment: This sequence change replaces isoleucine, which is neutral and non-polar, with methionine, which is neutral and non-polar, at codon 2948 of the ATM protein (p.Ile2948Met). This variant is not present in population databases (gnomAD no frequency). This variant has not been reported in the literature in individuals affected with ATM-related conditions. ClinVar contains an entry for this variant (Variation ID: 1364133). Invitae Evidence Modeling of protein sequence and biophysical properties (such as structural, functional, and spatial information, amino acid conservation, physicochemical variation, residue mobility, and thermodynamic stability) has been performed for this missense variant. However, the output from this modeling did not meet the statistical confidence thresholds required to predict the impact of this variant on ATM protein function. In summary, the available evidence is currently insufficient to determine the role of this variant in disease. Therefore, it has been classified as a Variant of Uncertain Significance.

NM_000051.4(ATM):c.8844T>G (p.Ile2948Met)

Genes: ATM (ATM serine/threonine kinase; plus strand), C11orf65 (chromosome 11 open reading frame 65; minus strand). Cytogenetic location: 11q22.3.
Variant type: single nucleotide variant.
Coding change: c.8844T>G on transcript NM_000051.4 (MANE Select); coding-DNA position 8844, T replaced by G.
Protein change: p.Ile2948Met; replaces isoleucine 2948 with methionine.
Molecular consequence: missense variant. On other transcripts: intron variant (2).
Genome position (GRCh38, 1-based): chr11:108,354,868, T>G. VCF-style: chr11-108354868-T-G. GRCh37 (hg19) VCF-style: chr11-108225595-T-G.
Other names: c.8844T>G, p.Ile2948Met (NM_001351834.2); c.640+31052A>C (NM_001330368.2); c.695-19576A>C (NM_001351110.2); short protein forms I2948M.
Identifiers: ClinVar variation 1364133 (VCV001364133.9), dbSNP rs878853551, ClinGen allele CA382526087.